The following is an entry in ClinVar:

ClinVar aggregate classification (germline): Pathogenic/Likely pathogenic. Review status: criteria provided, multiple submitters, no conflicts (2 of 4 stars). 2 submissions from 2 submitters: Pathogenic (1); Likely pathogenic (1). Last evaluated 2023-12-08.

Conditions:
BBS7-related disorder. Also called: BBS7-related condition.
Bardet-Biedl syndrome (BBS). Identifiers: Orphanet 110, MedGen C0752166, MONDO:0015229.

Submissions (2):

Women's Health and Genetics/Laboratory Corporation of America, LabCorp
Classification: Pathogenic for Bardet-Biedl syndrome. Last evaluated: 2023-12-08. Review status: criteria provided, single submitter. Criteria: LabCorp Variant Classification Summary - May 2015. Collection method: clinical testing. Allele origin: germline.
Comment: Variant summary: BBS7 c.569dupC (p.Thr191TyrfsX12) results in a premature termination codon, predicted to cause a truncation of the encoded protein or absence of the protein due to nonsense mediated decay, which are commonly known mechanisms for disease. The variant was absent in 251404 control chromosomes. To our knowledge, no occurrence of c.569dupC in individuals affected with Bardet-Biedl Syndrome and no experimental evidence demonstrating its impact on protein function have been reported. No submitters have cited clinical-significance assessments for this variant to ClinVar after 2014. Based on the evidence outlined above, the variant was classified as pathogenic.

Blueprint Genetics
Classification: Likely pathogenic for BBS7-related disorders. Last evaluated: 2023-08-30. Review status: criteria provided, single submitter. Criteria: ACMG Guidelines, 2015. Collection method: clinical testing. Allele origin: germline. Affected: yes. Observed: 1 variant allele.

NM_176824.3(BBS7):c.569dup (p.Thr191fs)

Gene: BBS7 (Bardet-Biedl syndrome 7; minus strand). Cytogenetic location: 4q27.
Variant type: Duplication.
Coding change: c.569dup on transcript NM_176824.3 (MANE Select); coding-DNA position 569, one base duplicated (C; older notation c.569dupC).
Protein change: p.Thr191fs; shifts the reading frame from threonine 191.
Molecular consequence: frameshift variant.
Genome position (GRCh38, 1-based): chr4:121,855,521, G duplicated on the plus strand (C on the coding strand, the reverse complement: BBS7 is on the minus strand); the first of 5 consecutive G bases (chr4:121,855,521-121,855,525); duplicating any one gives the same sequence. VCF-style (leftmost placement, unchanged base first): chr4-121855520-A-AG. GRCh37 (hg19) VCF-style: chr4-122776675-A-AG.
Other names: c.569dupC (NM_176824.3); c.569dup, p.Thr191fs (NM_018190.4); short protein forms T191fs.
Identifiers: ClinVar variation 2691572 (VCV002691572.2), dbSNP rs2476534000, ClinGen allele CA2671949409.